The following is an entry in ClinVar:

ClinVar aggregate classification (germline): Likely pathogenic (1 of 4 stars; one submission).

Conditions:
Craniofrontonasal syndrome (CFNS). Also called: CRANIOFRONTONASAL DYSOSTOSIS. Identifiers: Orphanet 1520, MedGen C0220767, MONDO:0010570, OMIM 304110.

Submission:

Greenwood Genetic Center Diagnostic Laboratories, Greenwood Genetic Center
Classification: Likely pathogenic for Craniofrontonasal syndrome. Last evaluated: 2024-02-27. Review status: criteria provided, single submitter. Criteria: ACMG Guidelines, 2015. Collection method: clinical testing. Allele origin: germline. Affected: yes.
Comment: PS4_Supporting, PM1, PM2, PM6, PP3

NM_004429.5(EFNB1):c.182_183delinsGA (p.Asp61Gly)

Gene: EFNB1 (ephrin B1; plus strand). Cytogenetic location: Xq13.1.
Variant type: Indel.
Coding change: c.182_183delinsGA on transcript NM_004429.5 (MANE Select); coding-DNA positions 182 to 183, AC replaced by GA.
Protein change: p.Asp61Gly; replaces aspartic acid 61 with glycine.
Molecular consequence: missense variant.
Genome position (GRCh38, 1-based): chrX:68,838,670-68,838,671, AC replaced by GA. VCF-style: chrX-68838670-AC-GA. GRCh37 (hg19) VCF-style: chrX-68058513-AC-GA.
Other names: short protein forms D61G.
Identifiers: ClinVar variation 3235766 (VCV003235766.1), dbSNP rs2520012780, ClinGen allele CA2825002956.